The following is an entry in ClinVar:

NM_001148.6(ANK2):c.7516C>T (p.Arg2506Trp)

Genes: ANK2 (ankyrin 2; plus strand), LOC126807137 (CDK7 strongly-dependent group 2 enhancer GRCh37_chr4:114276560-114277759; plus strand). Cytogenetic location: 4q26.
Variant type: single nucleotide variant.
Coding change: c.7516C>T on transcript NM_001148.6 (MANE Select); coding-DNA position 7516, C replaced by T.
Protein change: p.Arg2506Trp; replaces arginine 2506 with tryptophan.
Molecular consequence: missense variant. On other transcripts: intron variant (68).
Genome position (GRCh38, 1-based): chr4:113,356,134, C>T. VCF-style: chr4-113356134-C-T. GRCh37 (hg19) VCF-style: chr4-114277290-C-T.
Other names: c.7282C>T, p.Arg2428Trp (NM_001386142.1); c.3916C>T, p.Arg1306Trp (NM_001386166.1); c.7657C>T, p.Arg2553Trp (NM_001386174.1); c.7633C>T, p.Arg2545Trp (NM_001386175.1); c.4412-4689C>T (NM_001386186.2, NM_001386148.2); c.4214-4689C>T (NM_001354269.3); c.4292-4689C>T (NM_001386187.2); c.4253-4689C>T (NM_001386147.1); and 35 more; short protein forms R2506W, R2545W, R2553W, R1306W, R2428W.
Identifiers: ClinVar variation 4707324 (VCV004707324.1).
Genomic context (GRCh38, chr4:113,356,134, plus strand): 5'-CACTTTCCTCTTCCTGCAGCTGTTGCCAAAACAGAACTCTTGACGGAAGTGGCCTCTGTG[C>T]GGTCCCGGCTACTCCGAGACCCTGATGGCAGTGCTGAGGATGACAGTCTTGAGCAGACAT-3'
Protein context (NP_001139.3, residues 2496-2516): TELLTEVASV[Arg2506Trp]SRLLRDPDGS

ClinVar aggregate classification (germline): Uncertain significance (1 of 4 stars; one submission).

Conditions:
Long QT syndrome (LQTS). Identifiers: MedGen C0023976, MeSH D008133, MONDO:0002442. Disease mechanism: loss of function. Inheritance: Various modes of inheritance.

gnomAD v4.1: 29 of 1,614,070 alleles (0.0018%); highest among the groups gnomAD compares: South Asian, 0.0099%; no homozygotes.

Submission:

Labcorp Genetics (formerly Invitae), Labcorp
Classification: Uncertain significance for Long QT syndrome. Last evaluated: 2025-11-12. Review status: criteria provided, single submitter. Criteria: Invitae Variant Classification Sherloc (09022015). Collection method: clinical testing. Allele origin: germline.
Comment: This sequence change replaces arginine, which is basic and polar, with tryptophan, which is neutral and slightly polar, at codon 2506 of the ANK2 protein (p.Arg2506Trp). This variant is present in population databases (rs535569173, gnomAD 0.01%). This variant has not been reported in the literature in individuals affected with ANK2-related conditions. An algorithm developed to predict the effect of missense changes on protein structure and function (PolyPhen-2) suggests that this variant is likely to be disruptive. In summary, the available evidence is currently insufficient to determine the role of this variant in disease. Therefore, it has been classified as a Variant of Uncertain Significance.